The following is an entry in ClinVar:

NM_000179.3(MSH6):c.276A>G (p.Pro92=)

Gene: MSH6 (mutS homolog 6; plus strand). Cytogenetic location: 2p16.3.
Variant type: single nucleotide variant.
Coding change: c.276A>G on transcript NM_000179.3 (MANE Select); coding-DNA position 276, A replaced by G.
Protein change: p.Pro92=; no amino-acid change (proline 92 retained).
Molecular consequence: synonymous variant. On other transcripts: 5 prime UTR variant (2), intron variant (1).
Genome position (GRCh38, 1-based): chr2:47,790,942, A>G. VCF-style: chr2-47790942-A-G. GRCh37 (hg19) VCF-style: chr2-48018081-A-G.
Other names: c.-461A>G (NM_001281493.2); c.-627A>G (NM_001281494.2); c.237+7472A>G (NM_001281492.2).
Identifiers: ClinVar variation 36587 (VCV000036587.56), dbSNP rs1800932, ClinGen allele CA010868.
Genomic context (GRCh38, chr2:47,790,942, plus strand): 5'-CTTGACCAAATATTAACTAAGTTATGTATTTCCTTTTGGCAACAGTTGTGACTTCTCACC[A>G]GGAGATTTGGTTTGGGCCAAGATGGAGGGTTACCCCTGGTGGCCTTGTCTGGTTTACAAC-3'
Protein context (NP_000170.1, residues 82-102): PAAPTSCDFS[Pro92=]GDLVWAKMEG

ClinVar aggregate classification (germline): Benign. Review status: reviewed by expert panel (3 of 4 stars). 24 submissions from 24 submitters: Benign (1). 23 of the submissions do not count toward it. Last evaluated 2013-09-05.

Conditions:
Hereditary nonpolyposis colorectal neoplasms. Identifiers: MedGen C0009405, MeSH D003123.
Hereditary cancer-predisposing syndrome. Also called: Neoplastic Syndromes, Hereditary; Tumor predisposition; Hereditary Cancer Syndrome; Hereditary neoplastic syndrome. Identifiers: Orphanet 140162, MedGen C0027672, MeSH D009386, MONDO:0015356.
Lynch syndrome. Identifiers: Orphanet 144, MedGen C4552100, MONDO:0005835. Disease mechanism: loss of function.
Lynch syndrome 5 (LYNCH5). Also called: Colorectal cancer, hereditary nonpolyposis, type 5; Hereditary non-polyposis colorectal cancer, type 5. Identifiers: Orphanet 144, MedGen C1833477, MONDO:0013710, OMIM 614350. Disease mechanism: loss of function.

Allele frequency attached by ClinVar (database versions not stated): 1000 Genomes Project 30x 0.08760; ExAC 0.13495; ESP Exome Variant Server 0.16523; TOPMed 0.14614; gnomAD 0.14697 and 0.14294; 1000 Genomes Project 0.08666; gnomAD exomes 0.13473.
gnomAD v4.1: 270,898 of 1,613,796 alleles (17%); highest among the groups gnomAD compares: Non-Finnish European, 19%; 24,694 homozygotes.

Submissions (24):

International Society for Gastrointestinal Hereditary Tumours (InSiGHT)
Classification: Benign for Lynch Syndrome. Last evaluated: 2013-09-05. Review status: reviewed by expert panel. Criteria: Guidelines v1.9. Collection method: research. Allele origin: germline.
Comment: MAF >1%

Classified with v1.9 guidelines
ClinVar note: Converted during submission from no known pathogenicity to Benign.

Labcorp Genetics (formerly Invitae), Labcorp
Classification: Benign for Hereditary nonpolyposis colorectal neoplasms. Last evaluated: 2026-02-04. Review status: criteria provided, single submitter. Criteria: Invitae Variant Classification Sherloc (09022015). Collection method: clinical testing. Allele origin: germline. Not counted in ClinVar's aggregate classification.

ARUP Laboratories, Molecular Genetics and Genomics, ARUP Laboratories
Classification: Benign. Last evaluated: 2025-07-30. Review status: criteria provided, single submitter. Criteria: ARUP Molecular Germline Variant Investigation Process 2024. Collection method: clinical testing. Allele origin: germline. Not counted in ClinVar's aggregate classification.

GeneKor MSA
Classification: Benign for Hereditary cancer-predisposing syndrome. Last evaluated: 2025-07-10. Review status: criteria provided, single submitter. Criteria: ACMG Guidelines, 2015. Collection method: clinical testing. Allele origin: germline. Not counted in ClinVar's aggregate classification.

Myriad Genetics, Inc.
Classification: Benign for Lynch syndrome 5. Last evaluated: 2024-12-18. Review status: criteria provided, single submitter. Criteria: Myriad Autosomal Dominant, Autosomal Recessive and X-Linked Classification Criteria (2023). Collection method: clinical testing. Allele origin: unknown. Not counted in ClinVar's aggregate classification.
Comment: This variant is considered benign. This variant is a silent/synonymous amino acid change and it is not expected to impact splicing.

Blueprint Genetics
Classification: Likely benign. Last evaluated: 2024-11-26. Review status: criteria provided, single submitter. Criteria: ACMG Guidelines, 2015. Collection method: clinical testing. Allele origin: germline. Not counted in ClinVar's aggregate classification.

Unidad de Genómica Garrahan, Hospital de Pediatría Garrahan
Classification: Benign. Last evaluated: 2024-01-24. Review status: criteria provided, single submitter. Criteria: ACMG Guidelines, 2015. Collection method: clinical testing. Allele origin: germline. Affected: no. Observed: 29 variant alleles. Not counted in ClinVar's aggregate classification.
Comment: This variant is classified as Benign based on local population frequency. This variant was detected in 31% of patients studied by a panel of primary immunodeficiencies. Number of patients: 29. Only high quality variants are reported.

KCCC/NGS Laboratory, Kuwait Cancer Control Center
Classification: Benign for Lynch syndrome 5. Last evaluated: 2023-07-07. Review status: criteria provided, single submitter. Criteria: ACMG Guidelines, 2015. Collection method: clinical testing. Allele origin: germline. Affected: yes. Not counted in ClinVar's aggregate classification.

Illumina Laboratory Services, Illumina
Classification: Benign for Lynch syndrome 5. Last evaluated: 2018-01-13. Review status: criteria provided, single submitter. Criteria: ICSL Variant Classification Criteria 13 December 2019. Collection method: clinical testing. Allele origin: germline. Not counted in ClinVar's aggregate classification.
Comment: This variant was observed in the ICSL laboratory as part of a predisposition screen in an ostensibly healthy population. It had not been previously curated by ICSL or reported in the Human Gene Mutation Database (HGMD: prior to June 1st, 2018), and was therefore a candidate for classification through an automated scoring system. Utilizing variant allele frequency, disease prevalence and penetrance estimates, and inheritance mode, an automated score was calculated to assess if this variant is too frequent to cause the disease. Based on the score and internal cut-off values, a variant classified as benign is not then subjected to further curation. The score for this variant resulted in a classification of benign for this disease.

Clinical Genetics DNA and cytogenetics Diagnostics Lab, Erasmus MC, Erasmus Medical Center
Classification: Benign for Lynch syndrome 5. Last evaluated: 2015-09-21. Review status: criteria provided, single submitter. Criteria: ACGS Guidelines, 2013. Collection method: clinical testing. Allele origin: germline. Affected: yes. Study: VKGL Data-share Consensus. Not counted in ClinVar's aggregate classification.

Eurofins Ntd Llc (ga)
Classification: Benign. Last evaluated: 2015-05-27. Review status: criteria provided, single submitter. Criteria: EGL Classification Definitions 2015. Collection method: clinical testing. Allele origin: germline. Observed: 16 variant alleles, 16 heterozygotes. Not counted in ClinVar's aggregate classification.

Color Diagnostics, LLC DBA Color Health
Classification: Benign for Hereditary cancer-predisposing syndrome. Last evaluated: 2015-03-30. Review status: criteria provided, single submitter. Criteria: ACMG Guidelines, 2015. Collection method: clinical testing. Allele origin: germline. Not counted in ClinVar's aggregate classification.

GeneDx
Classification: Benign. Last evaluated: 2015-03-03. Review status: criteria provided, single submitter. Criteria: GeneDx Variant Classification Process June 2021. Collection method: clinical testing. Allele origin: germline. Affected: yes. Not counted in ClinVar's aggregate classification.

Ambry Genetics
Classification: Benign for Hereditary cancer-predisposing syndrome. Last evaluated: 2014-10-24. Review status: criteria provided, single submitter. Criteria: Ambry Variant Classification Scheme 2023. Collection method: clinical testing. Allele origin: germline. Not counted in ClinVar's aggregate classification.

Women's Health and Genetics/Laboratory Corporation of America, LabCorp
Classification: Benign for Hereditary non-polyposis colon cancer. Last evaluated: 2011-08-18. Review status: criteria provided, single submitter. Criteria: LabCorp Variant Classification Summary - May 2015. Collection method: curation, clinical testing. Allele origin: germline. Inheritance: autosomal unknown. Affected: yes. Not counted in ClinVar's aggregate classification.
ClinVar note: Converted during submission from benign to Benign.

Laboratory for Molecular Medicine, Mass General Brigham Personalized Medicine
Classification: Benign. Last evaluated: 2011-07-22. Review status: criteria provided, single submitter. Criteria: LMM Criteria. Collection method: clinical testing. Allele origin: germline. Observed: 3 variant alleles. Not counted in ClinVar's aggregate classification.
Comment: This variant is classified as benign because it does not result in an amino acid change and is common in the general population (rs1800932, MAF >1%).

Breakthrough Genomics
Classification: Benign. Review status: criteria provided, single submitter. Criteria: ACMG Guidelines, 2015. Collection method: not provided. Allele origin: germline. Inheritance: Autosomal recessive inheritance. Affected: yes. Not counted in ClinVar's aggregate classification.

PreventionGenetics, part of Exact Sciences
Classification: Benign. Review status: criteria provided, single submitter. Criteria: ACMG Guidelines, 2015. Collection method: clinical testing. Allele origin: germline. Not counted in ClinVar's aggregate classification.

Clinical Genetics Laboratory, Department of Pathology, Netherlands Cancer Institute
Classification: Benign. Review status: no assertion criteria provided. Collection method: clinical testing. Allele origin: germline. Affected: yes. Study: VKGL Data-share Consensus. Not counted in ClinVar's aggregate classification.

Clinical Genetics, Academic Medical Center
Classification: Benign. Review status: no assertion criteria provided. Collection method: clinical testing. Allele origin: germline. Affected: yes. Study: VKGL Data-share Consensus. Not counted in ClinVar's aggregate classification.

Department of Pathology and Laboratory Medicine, Sinai Health System
Classification: Benign. Review status: no assertion criteria provided. Collection method: clinical testing. Allele origin: unknown. Affected: yes. Study: The Canadian Open Genetics Repository (COGR). Not counted in ClinVar's aggregate classification.

Diagnostic Laboratory, Department of Genetics, University Medical Center Groningen
Classification: Benign for Lynch syndrome 5. Review status: no assertion criteria provided. Collection method: clinical testing. Allele origin: germline. Affected: yes. Study: VKGL Data-share Consensus. Not counted in ClinVar's aggregate classification.

Joint Genome Diagnostic Labs from Nijmegen and Maastricht, Radboudumc and MUMC+
Classification: Benign. Review status: no assertion criteria provided. Collection method: clinical testing. Allele origin: germline. Affected: yes. Study: VKGL Data-share Consensus. Not counted in ClinVar's aggregate classification.

Mayo Clinic Laboratories, Mayo Clinic
Classification: Benign. Review status: no assertion criteria provided. Collection method: clinical testing. Allele origin: unknown. Not counted in ClinVar's aggregate classification.

Literature cited by the submitters: PubMed 15805151 (cited by Women's Health and Genetics/Laboratory Corporation of America, LabCorp); PubMed 10537275 (cited by Women's Health and Genetics/Laboratory Corporation of America, LabCorp).